The following is an entry in ClinVar:

ClinVar aggregate classification (germline): Conflicting classifications of pathogenicity. Review status: criteria provided, conflicting classifications (1 of 4 stars). 5 submissions from 5 submitters: Uncertain significance (3); Likely benign (1). 1 of the submissions does not count toward it. Last evaluated 2025-12-08.

Conditions:
Inborn genetic diseases. Identifiers: MedGen C0950123, MeSH D030342.
KIF1C-related disorder. Also called: KIF1C-related condition.
Hereditary spastic paraplegia. Also called: Familial spastic paraparesis. Identifiers: Orphanet 685, MedGen C0037773, MONDO:0019064. Disease mechanism: loss of function.
Spastic ataxia 2. Also called: Ataxia, spastic, 2, autosomal recessive. Identifiers: Orphanet 397946, MedGen C1969796, MONDO:0012651, OMIM 611302.

Allele frequency attached by ClinVar (database versions not stated): 1000 Genomes Project 30x 0.00016; 1000 Genomes Project 0.00020; gnomAD exomes 0.00022 and 0.00037; ExAC 0.00030; ESP Exome Variant Server 0.00031; gnomAD 0.00035 and 0.00037; TOPMed 0.00039.
gnomAD v4.1: 397 of 1,613,998 alleles (0.025%); highest among the groups gnomAD compares: Middle Eastern, 0.33%; no homozygotes.

Submissions (5):

Labcorp Genetics (formerly Invitae), Labcorp
Classification: Likely benign for Spastic ataxia 2. Last evaluated: 2025-12-08. Review status: criteria provided, single submitter. Criteria: Invitae Variant Classification Sherloc (09022015). Collection method: clinical testing. Allele origin: germline.

CeGaT Center for Human Genetics Tuebingen
Classification: Uncertain significance. Last evaluated: 2022-09-01. Review status: criteria provided, single submitter. Criteria: CeGaT Center For Human Genetics Tuebingen Variant Classification Criteria Version 2. Collection method: clinical testing. Allele origin: germline. Affected: yes. Observed: 1 variant allele.

Ambry Genetics
Classification: Uncertain significance for Inborn genetic diseases. Last evaluated: 2021-09-01. Review status: criteria provided, single submitter. Criteria: Ambry Variant Classification Scheme 2023. Collection method: clinical testing. Allele origin: germline.

Genome Diagnostics Laboratory, The Hospital for Sick Children
Classification: Uncertain significance for Hereditary spastic paraplegia. Last evaluated: 2016-12-12. Review status: criteria provided, single submitter. Criteria: ACMG Guidelines, 2015. Collection method: clinical testing. Allele origin: germline. Affected: yes.

PreventionGenetics, part of Exact Sciences
Classification: Likely benign for KIF1C-related condition. Last evaluated: 2019-05-23. Review status: no assertion criteria provided. Collection method: clinical testing. Allele origin: germline. Not counted in ClinVar's aggregate classification.
Comment: This variant is classified as likely benign based on ACMG/AMP sequence variant interpretation guidelines (Richards et al. 2015 PMID: 25741868, with internal and published modifications).

NM_006612.6(KIF1C):c.884C>T (p.Ser295Leu)

Genes: KIF1C (kinesin family member 1C; plus strand), LOC126862472 (CDK7 strongly-dependent group 2 enhancer GRCh37_chr17:4906716-4907915; plus strand). Cytogenetic location: 17p13.2.
Variant type: single nucleotide variant.
Coding change: c.884C>T on transcript NM_006612.6 (MANE Select); coding-DNA position 884, C replaced by T.
Protein change: p.Ser295Leu; replaces serine 295 with leucine.
Molecular consequence: missense variant.
Genome position (GRCh38, 1-based): chr17:5,004,017, C>T. VCF-style: chr17-5004017-C-T. GRCh37 (hg19) VCF-style: chr17-4907312-C-T.
Other names: short protein forms S295L.
Identifiers: ClinVar variation 702197 (VCV000702197.45), dbSNP rs145650252, ClinGen allele CA8318775.
Genomic context (GRCh38, chr17:5,004,017, plus strand): 5'-GAGTGACCCACCCTAACCTCCTTCCTCCTTTTATCCCCCAGCAATCAAAGAAGCGAAAGT[C>T]GGATTTTATCCCCTACAGGGACTCTGTGCTCACCTGGCTGCTCAAGGAAAATTTGGGTGA-3'
Protein context (NP_006603.2, residues 285-305): LADMQSKKRK[Ser295Leu]DFIPYRDSVL